The following is an entry in ClinVar:

NM_002016.2(FLG):c.8415G>A (p.Ser2805=)

Genes: CCDST (cervical cancer associated DHX9 suppressive transcript; plus strand), FLG (filaggrin; minus strand). Cytogenetic location: 1q21.3.
Variant type: single nucleotide variant.
Coding change: c.8415G>A on transcript NM_002016.2 (MANE Select); coding-DNA position 8415, G replaced by A.
Protein change: p.Ser2805=; no amino-acid change (serine 2805 retained).
Molecular consequence: synonymous variant.
Genome position (GRCh38, 1-based): chr1:152,306,471, C>T on the plus strand (G>A on the coding strand, the complement: FLG is on the minus strand). VCF-style: chr1-152306471-C-T. GRCh37 (hg19) VCF-style: chr1-152278947-C-T.
Identifiers: ClinVar variation 2639258 (VCV002639258.25), dbSNP rs367828510, ClinGen allele CA1104251.

ClinVar aggregate classification (germline): Likely benign. Review status: criteria provided, multiple submitters, no conflicts (2 of 4 stars). 2 submissions from 2 submitters: Likely benign (2). Last evaluated 2024-11-25.

Allele frequency attached by ClinVar (database versions not stated): ExAC 0.00019; gnomAD 0.00020; ESP Exome Variant Server 0.00031.

Submissions (2):

Blueprint Genetics
Classification: Likely benign. Last evaluated: 2024-11-25. Review status: criteria provided, single submitter. Criteria: ACMG Guidelines, 2015. Collection method: clinical testing. Allele origin: germline.

CeGaT Center for Human Genetics Tuebingen
Classification: Likely benign. Last evaluated: 2022-12-01. Review status: criteria provided, single submitter. Criteria: CeGaT Center For Human Genetics Tuebingen Variant Classification Criteria Version 2. Collection method: clinical testing. Allele origin: germline. Affected: yes. Observed: 1 variant allele.
Comment: FLG: BP4, BP7